The following is an entry in ClinVar:

NM_000426.4(LAMA2):c.3154A>G (p.Ser1052Gly)

Gene: LAMA2 (laminin subunit alpha 2; plus strand). Cytogenetic location: 6q22.33.
Variant type: single nucleotide variant.
Coding change: c.3154A>G on transcript NM_000426.4 (MANE Select); coding-DNA position 3154, A replaced by G.
Protein change: p.Ser1052Gly; replaces serine 1052 with glycine.
Molecular consequence: missense variant.
Genome position (GRCh38, 1-based): chr6:129,300,852, A>G. VCF-style: chr6-129300852-A-G. GRCh37 (hg19) VCF-style: chr6-129621997-A-G.
Other names: c.3154A>G, p.Ser1052Gly (NM_001079823.2); short protein forms S1052G.
Identifiers: ClinVar variation 451960 (VCV000451960.18), dbSNP rs149165006, ClinGen allele CA3993180.

ClinVar aggregate classification (germline): Conflicting classifications of pathogenicity. Review status: criteria provided, conflicting classifications (1 of 4 stars). 5 submissions from 5 submitters: Uncertain significance (2); Likely benign (2). 1 of the submissions does not count toward it. Last evaluated 2026-01-20.

Conditions:
LAMA2-related disorder. Also called: LAMA2-related disorders; LAMA2-related condition.
LAMA2-related muscular dystrophy (LAMA2-RD). Also called: Laminin alpha 2-related dystrophy. Identifiers: MedGen C5679788, MONDO:0100228.

Allele frequency attached by ClinVar (database versions not stated): gnomAD exomes 0.00005 and 0.00012; ExAC 0.00019; gnomAD 0.00059 and 0.00061; TOPMed 0.00059; 1000 Genomes Project 0.00060; 1000 Genomes Project 30x 0.00062; ESP Exome Variant Server 0.00092.
gnomAD v4.1: 169 of 1,613,852 alleles (0.01%); highest among the groups gnomAD compares: African/African-American, 0.21%; no homozygotes.

Submissions (5):

Labcorp Genetics (formerly Invitae), Labcorp
Classification: Likely benign for LAMA2-related muscular dystrophy. Last evaluated: 2026-01-20. Review status: criteria provided, single submitter. Criteria: Invitae Variant Classification Sherloc (09022015). Collection method: clinical testing. Allele origin: germline.

Blueprint Genetics
Classification: Likely benign. Last evaluated: 2024-06-04. Review status: criteria provided, single submitter. Criteria: ACMG Guidelines, 2015. Collection method: clinical testing. Allele origin: germline.

Revvity Omics, Revvity
Classification: Uncertain significance. Last evaluated: 2019-03-27. Review status: criteria provided, single submitter. Criteria: ACMG Guidelines, 2015. Collection method: clinical testing. Allele origin: germline.

GeneDx
Classification: Uncertain significance. Last evaluated: 2017-09-11. Review status: criteria provided, single submitter. Criteria: GeneDx Variant Classification (06012015). Collection method: clinical testing. Allele origin: germline. Affected: yes.
Comment: The S1052G variant has been previously reported in an individual with congenital muscular dystrophy who harbored an additional LAMA2 variant; however, segregation analysis to determine phase was not reported (Valencia et al., 2013). The S1052G variant is observed in 22/10,404 (0.21%) alleles from individuals of African background (Lek et al., 2016; 1000 Genomes Consortium et al., 2015; Exome Variant Server). This variant is a non-conservative amino acid substitution, which is likely to impact secondary protein structure as these residues differ in polarity, charge, size and/or other properties. This substitution occurs at a position that is conserved in mammals; however, missense variants in nearby residues have not been reported in the Human Gene Mutation Database in association with LAMA2-related disorders (Stenson et al., 2014). In silico analysis is inconsistent in its predictions as to whether or not the variant is damaging to the protein structure/function.

PreventionGenetics, part of Exact Sciences
Classification: Likely benign for LAMA2-related condition. Last evaluated: 2024-02-13. Review status: no assertion criteria provided. Collection method: clinical testing. Allele origin: germline. Not counted in ClinVar's aggregate classification.
Comment: This variant is classified as likely benign based on ACMG/AMP sequence variant interpretation guidelines (Richards et al. 2015 PMID: 25741868, with internal and published modifications).